The following is an entry in ClinVar:

ClinVar aggregate classification (germline): Uncertain significance. Review status: criteria provided, multiple submitters, no conflicts (2 of 4 stars). 2 submissions from 2 submitters: Uncertain significance (2). Last evaluated 2025-08-28.

Conditions:
Inborn genetic diseases. Identifiers: MedGen C0950123, MeSH D030342.
Congenital disorder of glycosylation type 1E (CDG1E). Also called: CDG Ie; CONGENITAL DISORDER OF GLYCOSYLATION, TYPE Ie. Identifiers: Orphanet 79322, MedGen C1837396, MONDO:0012123, OMIM 608799.

Allele frequency attached by ClinVar (database versions not stated): TOPMed 0.00012.
gnomAD v4.1: 57 of 1,613,654 alleles (0.0035%); highest among the groups gnomAD compares: East Asian, 0.051%; no homozygotes.

Submissions (2):

Ambry Genetics
Classification: Uncertain significance for Inborn genetic diseases. Last evaluated: 2025-08-28. Review status: criteria provided, single submitter. Criteria: Ambry Variant Classification Scheme 2023. Collection method: clinical testing. Allele origin: germline.

Labcorp Genetics (formerly Invitae), Labcorp
Classification: Uncertain significance for Congenital disorder of glycosylation type 1E. Last evaluated: 2022-08-16. Review status: criteria provided, single submitter. Criteria: Invitae Variant Classification Sherloc (09022015). Collection method: clinical testing. Allele origin: germline.
Comment: This sequence change replaces arginine, which is basic and polar, with glycine, which is neutral and non-polar, at codon 8 of the DPM1 protein (p.Arg8Gly). This variant is present in population databases (rs201392536, gnomAD 0.1%). This variant has not been reported in the literature in individuals affected with DPM1-related conditions. ClinVar contains an entry for this variant (Variation ID: 856966). Algorithms developed to predict the effect of missense changes on protein structure and function output the following: SIFT: "Tolerated"; PolyPhen-2: "Not Available"; Align-GVGD: "Class C0". The glycine amino acid residue is found in multiple mammalian species, which suggests that this missense change does not adversely affect protein function. In summary, the available evidence is currently insufficient to determine the role of this variant in disease. Therefore, it has been classified as a Variant of Uncertain Significance.

NM_003859.3(DPM1):c.22C>G (p.Arg8Gly)

Genes: DPM1 (dolichyl-phosphate mannosyltransferase subunit 1, catalytic; minus strand), LOC130066166 (ATAC-STARR-seq lymphoblastoid active region 18108; plus strand). Cytogenetic location: 20q13.13.
Variant type: single nucleotide variant.
Coding change: c.22C>G on transcript NM_003859.3 (MANE Select); coding-DNA position 22, C replaced by G.
Protein change: p.Arg8Gly; replaces arginine 8 with glycine.
Molecular consequence: missense variant. On other transcripts: non-coding transcript variant (1).
Genome position (GRCh38, 1-based): chr20:50,958,502, G>C on the plus strand (C>G on the coding strand, the complement: DPM1 is on the minus strand). VCF-style: chr20-50958502-G-C. GRCh37 (hg19) VCF-style: chr20-49575039-G-C.
Other names: c.22C>G, p.Arg8Gly (NM_001317034.1, NM_001317035.1, NM_001317036.1); short protein forms R8G.
Identifiers: ClinVar variation 856966 (VCV000856966.9), dbSNP rs201392536, ClinGen allele CA9909271.